The following is an entry in ClinVar:

NM_032444.4(SLX4):c.4635C>T (p.Pro1545=)

Gene: SLX4 (SLX4 structure-specific endonuclease subunit; minus strand). Cytogenetic location: 16p13.3.
Variant type: single nucleotide variant.
Coding change: c.4635C>T on transcript NM_032444.4 (MANE Select); coding-DNA position 4635, C replaced by T.
Protein change: p.Pro1545=; no amino-acid change (proline 1545 retained).
Molecular consequence: synonymous variant.
Genome position (GRCh38, 1-based): chr16:3,589,003, G>A on the plus strand (C>T on the coding strand, the complement: SLX4 is on the minus strand). VCF-style: chr16-3589003-G-A. GRCh37 (hg19) VCF-style: chr16-3639004-G-A.
Identifiers: ClinVar variation 4992468 (VCV004992468.1).

ClinVar aggregate classification (germline): Likely benign (1 of 4 stars; one submission).

Conditions:
SLX4-related disorder. Also called: SLX4-related condition.

Submission:

PreventionGenetics, part of Exact Sciences
Classification: Likely benign for SLX4-related condition. Last evaluated: 2026-09-08. Review status: criteria provided, single submitter. Criteria: ACMG Guidelines, 2015. Collection method: clinical testing. Allele origin: germline.
Comment: This variant is classified as likely benign based on ACMG/AMP sequence variant interpretation guidelines (Richards et al. 2015 PMID: 25741868, with internal and published modifications).